The following is an entry in ClinVar:

NM_002439.5(MSH3):c.3197G>C (p.Arg1066Thr)

Gene: MSH3 (mutS homolog 3; plus strand). Cytogenetic location: 5q14.1.
Variant type: single nucleotide variant.
Coding change: c.3197G>C on transcript NM_002439.5 (MANE Select); coding-DNA position 3197, G replaced by C.
Protein change: p.Arg1066Thr; replaces arginine 1066 with threonine.
Molecular consequence: missense variant.
Genome position (GRCh38, 1-based): chr5:80,873,182, G>C. VCF-style: chr5-80873182-G-C. GRCh37 (hg19) VCF-style: chr5-80169001-G-C.
Other names: c.3197G>C (NM_002439.3); short protein forms R1066T.
Identifiers: ClinVar variation 2676756 (VCV002676756.5), dbSNP rs769290159, ClinGen allele CA3328481.
Genomic context (GRCh38, chr5:80,873,182, plus strand): 5'-CAGAACAAGTCCCTGATTTTGTCACCTTCCTTTACCAAATAACTAGAGGAATTGCAGCAA[G>C]GAGTTATGGATTAAATGTGGCTAAACTAGCAGATGTTCCTGGAGAAATTTTGAAGAAAGC-3'
Protein context (NP_002430.3, residues 1056-1076): LYQITRGIAA[Arg1066Thr]SYGLNVAKLA

ClinVar aggregate classification (germline): Uncertain significance. Review status: criteria provided, multiple submitters, no conflicts (2 of 4 stars). 3 submissions from 3 submitters: Uncertain significance (3). Last evaluated 2025-12-29.

Conditions:
Hereditary cancer-predisposing syndrome. Also called: Tumor predisposition; Hereditary Cancer Syndrome; Hereditary neoplastic syndrome; Neoplastic Syndromes, Hereditary. Identifiers: Orphanet 140162, MedGen C0027672, MeSH D009386, MONDO:0015356.
Endometrial carcinoma. Also called: Endometrial carcinoma, somatic. Identifiers: MedGen C0476089, MONDO:0002447, OMIM 608089, HP:0012114.

Allele frequency attached by ClinVar (database versions not stated): gnomAD exomes below 0.00001; ExAC 0.00001.
gnomAD v4.1: 1 of 1,613,860 alleles (0.000062%); highest among the groups gnomAD compares: Non-Finnish European, 0.000085%; no homozygotes.

Submissions (3):

Ambry Genetics
Classification: Uncertain significance for Hereditary cancer-predisposing syndrome. Last evaluated: 2025-12-29. Review status: criteria provided, single submitter. Criteria: Ambry Variant Classification Scheme 2023. Collection method: clinical testing. Allele origin: germline.
Comment: The p.R1066T variant (also known as c.3197G>C), located in coding exon 23 of the MSH3 gene, results from a G to C substitution at nucleotide position 3197. The arginine at codon 1066 is replaced by threonine, an amino acid with similar properties. This amino acid position is conserved. In addition, this alteration is predicted to be deleterious by in silico analysis. Based on the available evidence, the clinical significance of this variant remains unclear.

Labcorp Genetics (formerly Invitae), Labcorp
Classification: Uncertain significance. Last evaluated: 2024-08-14. Review status: criteria provided, single submitter. Criteria: Invitae Variant Classification Sherloc (09022015). Collection method: clinical testing. Allele origin: germline.
Comment: This sequence change replaces arginine, which is basic and polar, with threonine, which is neutral and polar, at codon 1066 of the MSH3 protein (p.Arg1066Thr). This variant is present in population databases (rs769290159, gnomAD 0.0009%). This variant has not been reported in the literature in individuals affected with MSH3-related conditions. An algorithm developed to predict the effect of missense changes on protein structure and function (PolyPhen-2) suggests that this variant is likely to be disruptive. In summary, the available evidence is currently insufficient to determine the role of this variant in disease. Therefore, it has been classified as a Variant of Uncertain Significance.

Baylor Genetics
Classification: Uncertain significance for Endometrial carcinoma. Last evaluated: 2023-07-29. Review status: criteria provided, single submitter. Criteria: ACMG Guidelines, 2015. Collection method: clinical testing. Allele origin: unknown.